The following is an entry in ClinVar:

ClinVar aggregate classification (germline): Likely benign (1 of 4 stars; one submission).

Submission:

CeGaT Center for Human Genetics Tuebingen
Classification: Likely benign. Last evaluated: 2025-12-01. Review status: criteria provided, single submitter. Criteria: CeGaT Center For Human Genetics Tuebingen Variant Classification Criteria Version 2. Collection method: clinical testing. Allele origin: germline. Affected: yes. Observed: 1 variant allele.
Comment: ATN1: PM2:Supporting, BP4, BP7

NM_001940.4(ATN1):c.1380C>T (p.Gly460=)

Gene: ATN1 (atrophin 1; plus strand). Cytogenetic location: 12p13.31.
Variant type: single nucleotide variant.
Coding change: c.1380C>T on transcript NM_001940.4 (MANE Select); coding-DNA position 1380, C replaced by T.
Protein change: p.Gly460=; no amino-acid change (glycine 460 retained).
Molecular consequence: synonymous variant.
Genome position (GRCh38, 1-based): chr12:6,936,647, C>T. VCF-style: chr12-6936647-C-T. GRCh37 (hg19) VCF-style: chr12-7045810-C-T.
Other names: c.1380C>T, p.Gly460= (NM_001007026.2, NM_001424176.1, NM_001424177.1 and 1 more transcripts); c.1377C>T, p.Gly459= (NM_001424179.1, NM_001424180.1).
Identifiers: ClinVar variation 4681690 (VCV004681690.5).